The following is an entry in ClinVar:

ClinVar aggregate classification (germline): Uncertain significance. Review status: criteria provided, multiple submitters, no conflicts (2 of 4 stars). 2 submissions from 2 submitters: Uncertain significance (2). Last evaluated 2024-10-25.

Conditions:
Hypotonia, infantile, with psychomotor retardation and characteristic facies 2 (IHPRF2). Also called: UNC80 Deficiency. Identifiers: Orphanet 371364, Orphanet 700333, MedGen C4225203, MONDO:0014777, OMIM 616801.

Allele frequency attached by ClinVar (database versions not stated): gnomAD 0.00001.
gnomAD v4.1: 9 of 1,551,620 alleles (0.00058%); highest among the groups gnomAD compares: South Asian, 0.011%; no homozygotes.

Submissions (2):

Labcorp Genetics (formerly Invitae), Labcorp
Classification: Uncertain significance. Last evaluated: 2024-10-25. Review status: criteria provided, single submitter. Criteria: Invitae Variant Classification Sherloc (09022015). Collection method: clinical testing. Allele origin: germline.
Comment: This sequence change replaces histidine, which is basic and polar, with leucine, which is neutral and non-polar, at codon 1487 of the UNC80 protein (p.His1487Leu). This variant is present in population databases (rs775914722, gnomAD 0.009%). This variant has not been reported in the literature in individuals affected with UNC80-related conditions. ClinVar contains an entry for this variant (Variation ID: 1940876). Invitae Evidence Modeling of protein sequence and biophysical properties (such as structural, functional, and spatial information, amino acid conservation, physicochemical variation, residue mobility, and thermodynamic stability) indicates that this missense variant is not expected to disrupt UNC80 protein function with a negative predictive value of 80%. In summary, the available evidence is currently insufficient to determine the role of this variant in disease. Therefore, it has been classified as a Variant of Uncertain Significance.

Revvity Omics, Revvity
Classification: Uncertain significance for Hypotonia, infantile, with psychomotor retardation and characteristic facies 2. Last evaluated: 2019-02-15. Review status: criteria provided, single submitter. Criteria: ACMG Guidelines, 2015. Collection method: clinical testing. Allele origin: germline.

NM_001371986.1(UNC80):c.4658A>T (p.His1553Leu)

Gene: UNC80 (unc-80 subunit of NALCN channel complex; plus strand). Cytogenetic location: 2q34.
Variant type: single nucleotide variant.
Coding change: c.4658A>T on transcript NM_001371986.1 (MANE Select); coding-DNA position 4658, A replaced by T.
Protein change: p.His1553Leu; replaces histidine 1553 with leucine.
Molecular consequence: missense variant.
Genome position (GRCh38, 1-based): chr2:209,904,841, A>T. VCF-style: chr2-209904841-A-T. GRCh37 (hg19) VCF-style: chr2-210769565-A-T.
Other names: c.4460A>T, p.His1487Leu (NM_032504.2); c.4445A>T, p.His1482Leu (NM_182587.4); c.4460A>T (NM_032504.1); short protein forms H1487L, H1553L, H1482L.
Identifiers: ClinVar variation 1940876 (VCV001940876.7), dbSNP rs775914722, ClinGen allele CA2083220.
Genomic context (GRCh38, chr2:209,904,841, plus strand): 5'-GCAATCAGCAGAGTTTCATCTGCACTCACGTTGACTACTGCCATCCCCACTGCTACCTGC[A>T]CCACAGCCGCTCCTGTGCCCGACTGGTCAGAGCCATCAAGCTACTCTATGGAGACAGTGT-3'
Protein context (NP_001358915.1, residues 1543-1563): VDYCHPHCYL[His1553Leu]HSRSCARLVR